The following is an entry in ClinVar:

NM_017837.4(PIGV):c.354G>A (p.Ser118=)

Gene: PIGV (phosphatidylinositol glycan anchor biosynthesis class V; plus strand). Cytogenetic location: 1p36.11.
Variant type: single nucleotide variant.
Coding change: c.354G>A on transcript NM_017837.4 (MANE Select); coding-DNA position 354, G replaced by A.
Protein change: p.Ser118=; no amino-acid change (serine 118 retained).
Molecular consequence: synonymous variant. On other transcripts: 5 prime UTR variant (1), non-coding transcript variant (1), intron variant (3).
Genome position (GRCh38, 1-based): chr1:26,794,388, G>A. VCF-style: chr1-26794388-G-A. GRCh37 (hg19) VCF-style: chr1-27120879-G-A.
Other names: c.354G>A, p.Ser118= (NM_001202554.2, NM_001374478.1, NM_001374480.1 and 2 more transcripts); c.-28G>A (NM_001374483.1); c.172+182G>A (NM_001374484.1, NM_001374485.1); c.79-3175G>A (NM_001374486.1).
Identifiers: ClinVar variation 515557 (VCV000515557.5), dbSNP rs765982367, ClinGen allele CA708045.

ClinVar aggregate classification (germline): Likely benign. Review status: criteria provided, multiple submitters, no conflicts (2 of 4 stars). 2 submissions from 2 submitters: Likely benign (2). Last evaluated 2025-11-27.

Allele frequency attached by ClinVar (database versions not stated): TOPMed 0.00002.
gnomAD v4.1: 97 of 1,614,098 alleles (0.006%); highest among the groups gnomAD compares: Non-Finnish European, 0.0075%; no homozygotes.

Submissions (2):

Labcorp Genetics (formerly Invitae), Labcorp
Classification: Likely benign. Last evaluated: 2025-11-27. Review status: criteria provided, single submitter. Criteria: Invitae Variant Classification Sherloc (09022015). Collection method: clinical testing. Allele origin: germline.

GeneDx
Classification: Likely benign. Last evaluated: 2018-02-21. Review status: criteria provided, single submitter. Criteria: GeneDx Variant Classification (06012015). Collection method: clinical testing. Allele origin: germline. Affected: yes.
Comment: This variant is considered likely benign or benign based on one or more of the following criteria: it is a conservative change, it occurs at a poorly conserved position in the protein, it is predicted to be benign by multiple in silico algorithms, and/or has population frequency not consistent with disease.